The following is an entry in ClinVar:

ClinVar aggregate classification (germline): Uncertain significance (1 of 4 stars; one submission).

Submission:

Women's Health and Genetics/Laboratory Corporation of America, LabCorp
Classification: Uncertain significance. Last evaluated: 2024-05-07. Review status: criteria provided, single submitter. Criteria: LabCorp Variant Classification Summary - May 2015. Collection method: clinical testing. Allele origin: germline.
Comment: Variant summary: SURF1 c.23A>T (p.Gln8Leu) results in a non-conservative amino acid change in the encoded protein sequence. Four of five in-silico tools predict a benign effect of the variant on protein function. The variant was absent in 56782 control chromosomes. The available data on variant occurrences in the general population are insufficient to allow any conclusion about variant significance. c.23A>T has been reported in the literature without a clear genotype/zygosity specification in at-least one individual affected with Leigh Syndrome (example, Diogo_2009 cited in Li_2018). These report(s) do not provide unequivocal conclusions about association of the variant with Leigh Syndrome. To our knowledge, no experimental evidence demonstrating an impact on protein function has been reported. The following publications have been ascertained in the context of this evaluation (PMID: 19380071, 29933018). No submitters have cited clinical-significance assessments for this variant to ClinVar. Based on the evidence outlined above, the variant was classified as uncertain significance.

Literature cited by the submitters: PubMed 29933018; PubMed 19380071.

NM_003172.4(SURF1):c.23A>T (p.Gln8Leu)

Gene: SURF1 (SURF1 cytochrome c oxidase assembly factor; minus strand). Cytogenetic location: 9q34.2.
Variant type: single nucleotide variant.
Coding change: c.23A>T on transcript NM_003172.4 (MANE Select); coding-DNA position 23, A replaced by T.
Protein change: p.Gln8Leu; replaces glutamine 8 with leucine.
Molecular consequence: missense variant. On other transcripts: 5 prime UTR variant (1).
Genome position (GRCh38, 1-based): chr9:133,356,431, T>A on the plus strand (A>T on the coding strand, the complement: SURF1 is on the minus strand). VCF-style: chr9-133356431-T-A. GRCh37 (hg19) VCF-style: chr9-136223307-T-A.
Other names: c.-253A>T (NM_001280787.1); short protein forms Q8L.
Identifiers: ClinVar variation 3336111 (VCV003336111.1).
Genomic context (GRCh38, chr9:133,356,431, plus strand): 5'-GCACCCCGCACCCCGCACCCGGCGCTCACCCGTCCCAGCCCCGCCGCCCGCAGCCCCAGC[T>A]GCAACGCAGCCACCGCCGCCATCGCACCCGGCCCCGCGGGCGCTTCCGGGACGCAGGAAG-3'
Protein context (NP_003163.1, residues 1-18): MAAVAAL[Gln8Leu]LGLRAAGLGR